The following is an entry in ClinVar:

NM_000372.5(TYR):c.1291C>A (p.Pro431Thr)

Gene: TYR (tyrosinase; plus strand). Cytogenetic location: 11q14.3.
Variant type: single nucleotide variant.
Coding change: c.1291C>A on transcript NM_000372.5 (MANE Select); coding-DNA position 1291, C replaced by A.
Protein change: p.Pro431Thr; replaces proline 431 with threonine.
Molecular consequence: missense variant.
Genome position (GRCh38, 1-based): chr11:89,284,879, C>A. VCF-style: chr11-89284879-C-A. GRCh37 (hg19) VCF-style: chr11-89018047-C-A.
Other names: c.1291C>A (NM_000372.4); short protein forms P431T.
Identifiers: ClinVar variation 1435987 (VCV001435987.12), dbSNP rs368604842, ClinGen allele CA226650351.
Genomic context (GRCh38, chr11:89,284,879, plus strand): 5'-TATCCAGAAGCCAATGCACCCATTGGACATAACCGGGAATCCTACATGGTTCCTTTTATA[C>A]CACTGTACAGAAATGGTGATTTCTTTATTTCATCCAAAGATCTGGGCTATGACTATAGCT-3'
Protein context (NP_000363.1, residues 421-441): NRESYMVPFI[Pro431Thr]LYRNGDFFIS

ClinVar aggregate classification (germline): Uncertain significance. Review status: criteria provided, multiple submitters, no conflicts (2 of 4 stars). 4 submissions from 4 submitters: Uncertain significance (4). Last evaluated 2025-02-03.

Allele frequency attached by ClinVar (database versions not stated): gnomAD 0.00002; ESP Exome Variant Server 0.00008.
gnomAD v4.1: 53 of 1,611,626 alleles (0.0033%); highest among the groups gnomAD compares: Non-Finnish European, 0.0044%; no homozygotes.

Submissions (4):

GeneDx
Classification: Uncertain significance. Last evaluated: 2025-02-03. Review status: criteria provided, single submitter. Criteria: GeneDx Variant Classification Process June 2021. Collection method: clinical testing. Allele origin: germline.
Comment: Not observed at significant frequency in large population cohorts (gnomAD); In silico analysis supports that this missense variant has a deleterious effect on protein structure/function; This variant is associated with the following publications: (PMID: 8217557, 22734612, 28451379, 7886000, 33808351, 13680365, 18463683)

Women's Health and Genetics/Laboratory Corporation of America, LabCorp
Classification: Uncertain significance. Last evaluated: 2024-10-22. Review status: criteria provided, single submitter. Criteria: LabCorp Variant Classification Summary - May 2015. Collection method: clinical testing. Allele origin: germline.
Comment: Variant summary: TYR c.1291C>A (p.Pro431Thr) results in a non-conservative amino acid change in the encoded protein sequence. Five of five in-silico tools predict a damaging effect of the variant on protein function. The variant allele was found at a frequency of 8e-06 in 250452 control chromosomes. c.1291C>A has been reported in the literature in individuals affected with Oculocutaneous Albinism (Gao_2017, Spritz_1993), but in at-least one case, another pathogenic missense was also reported in cis along with the current variant (Hutton_2008, King_2003). These data indicate that the variant may be associated with disease. Co-occurrences with other pathogenic variant(s) have been reported (in cis with TYR c.1217C>T, p.Pro406Leu), providing supporting evidence for a benign role (King_2003). To our knowledge, no experimental evidence demonstrating an impact on protein function has been reported. The following publications have been ascertained in the context of this evaluation (PMID: 28451379, 18463683, 13680365, 8217557). ClinVar contains an entry for this variant (Variation ID: 1435987). Based on the evidence outlined above, the variant was classified as VUS-possibly pathogenic.

Labcorp Genetics (formerly Invitae), Labcorp
Classification: Uncertain significance. Last evaluated: 2024-07-01. Review status: criteria provided, single submitter. Criteria: Invitae Variant Classification Sherloc (09022015). Collection method: clinical testing. Allele origin: germline.
Comment: This sequence change replaces proline, which is neutral and non-polar, with threonine, which is neutral and polar, at codon 431 of the TYR protein (p.Pro431Thr). This variant is present in population databases (rs368604842, gnomAD 0.002%). This missense change has been observed in individual(s) with oculocutaneous albinism (PMID: 8217557). ClinVar contains an entry for this variant (Variation ID: 1435987). Advanced modeling of protein sequence and biophysical properties (such as structural, functional, and spatial information, amino acid conservation, physicochemical variation, residue mobility, and thermodynamic stability) performed at Invitae indicates that this missense variant is expected to disrupt TYR protein function with a positive predictive value of 80%. In summary, the available evidence is currently insufficient to determine the role of this variant in disease. Therefore, it has been classified as a Variant of Uncertain Significance.

Blueprint Genetics
Classification: Uncertain significance. Last evaluated: 2022-06-08. Review status: criteria provided, single submitter. Criteria: ACMG Guidelines, 2015. Collection method: clinical testing. Allele origin: germline.

Literature cited by the submitters: PubMed 13680365 (cited by Women's Health and Genetics/Laboratory Corporation of America, LabCorp); PubMed 18463683 (cited by Women's Health and Genetics/Laboratory Corporation of America, LabCorp); PubMed 28451379 (cited by Women's Health and Genetics/Laboratory Corporation of America, LabCorp); PubMed 8217557 (cited by Women's Health and Genetics/Laboratory Corporation of America, LabCorp and Labcorp Genetics (formerly Invitae), Labcorp).